The following is an entry in ClinVar:

ClinVar aggregate classification (germline): Uncertain significance (1 of 4 stars; one submission).

Conditions:
Inborn genetic diseases. Identifiers: MedGen C0950123, MeSH D030342.

Submission:

Ambry Genetics
Classification: Uncertain significance for Inborn genetic diseases. Last evaluated: 2026-08-08. Review status: criteria provided, single submitter. Criteria: Ambry Variant Classification Scheme 2023. Collection method: clinical testing. Allele origin: germline.
Comment: The p.N599T variant (also known as c.1796A>C), located in coding exon 11 of the FANCM gene, results from an A to C substitution at nucleotide position 1796. The asparagine at codon 599 is replaced by threonine, an amino acid with similar properties. This amino acid position is conserved. In addition, this alteration is predicted to be tolerated by in silico analysis. Based on the available evidence, the clinical significance of this variant remains unclear.

NM_020937.4(FANCM):c.1796A>C (p.Asn599Thr)

Gene: FANCM (FA complementation group M; plus strand). Cytogenetic location: 14q21.2.
Variant type: single nucleotide variant.
Coding change: c.1796A>C on transcript NM_020937.4 (MANE Select); coding-DNA position 1796, A replaced by C.
Protein change: p.Asn599Thr; replaces asparagine 599 with threonine.
Molecular consequence: missense variant.
Genome position (GRCh38, 1-based): chr14:45,166,957, A>C. VCF-style: chr14-45166957-A-C. GRCh37 (hg19) VCF-style: chr14-45636160-A-C.
Other names: c.1718A>C, p.Asn573Thr (NM_001308133.2); c.1796A>C, p.Asn599Thr (NM_001308134.2); short protein forms N573T, N599T.
Identifiers: ClinVar variation 5021481 (VCV005021481.1).
Genomic context (GRCh38, chr14:45,166,957, plus strand): 5'-AATTGTTATTTATAAAAGTAATATAATCTGACATTTTCTATTTGTTTTTACAGATTTATA[A>C]TCAGAGTCAGTCCAACAAAAGAAGTATATATAAAGCTATTTCAAGTAACAGGCAGGTCCT-3'
Protein context (NP_065988.1, residues 589-609): LSEGREERIY[Asn599Thr]QSQSNKRSIY